The following is an entry in ClinVar:

ClinVar aggregate classification (germline): Uncertain significance. Review status: criteria provided, multiple submitters, no conflicts (2 of 4 stars). 2 submissions from 2 submitters: Uncertain significance (2). Last evaluated 2025-04-03.

Conditions:
Inborn genetic diseases. Identifiers: MedGen C0950123, MeSH D030342.

Allele frequency attached by ClinVar (database versions not stated): gnomAD exomes 0.00002; TOPMed 0.00002; ExAC 0.00004.
gnomAD v4.1: 27 of 1,605,854 alleles (0.0017%); highest among the groups gnomAD compares: African/African-American, 0.004%; no homozygotes.

Submissions (2):

Women's Health and Genetics/Laboratory Corporation of America, LabCorp
Classification: Uncertain significance. Last evaluated: 2025-04-03. Review status: criteria provided, single submitter. Criteria: LabCorp Variant Classification Summary - May 2015. Collection method: clinical testing. Allele origin: germline.
Comment: Variant summary: PKD1 c.3638G>A (p.Arg1213His) results in a non-conservative amino acid change located in the Polycystic kidney disease (PKD) domain (IPR000601) of the encoded protein sequence. Four of five in-silico tools predict a benign effect of the variant on protein function. The variant allele was found at a frequency of 2.2e-05 in 227414 control chromosomes. The available data on variant occurrences in the general population are insufficient to allow any conclusion about variant significance. To our knowledge, no occurrence of c.3638G>A in individuals affected with PKD1-Biallelic Autosomal Recessive Polycystic Kidney Disease and no experimental evidence demonstrating its impact on protein function have been reported. ClinVar contains an entry for this variant (Variation ID: 2305276). Based on the evidence outlined above, the variant was classified as uncertain significance.

Ambry Genetics
Classification: Uncertain significance for Inborn genetic diseases. Last evaluated: 2022-08-03. Review status: criteria provided, single submitter. Criteria: Ambry Variant Classification Scheme 2023. Collection method: clinical testing. Allele origin: germline.

NM_001009944.3(PKD1):c.3638G>A (p.Arg1213His)

Gene: PKD1 (polycystin 1, transient receptor potential channel interacting; minus strand). Cytogenetic location: 16p13.3.
Variant type: single nucleotide variant.
Coding change: c.3638G>A on transcript NM_001009944.3 (MANE Select); coding-DNA position 3638, G replaced by A.
Protein change: p.Arg1213His; replaces arginine 1213 with histidine.
Molecular consequence: missense variant.
Genome position (GRCh38, 1-based): chr16:2,111,529, C>T on the plus strand (G>A on the coding strand, the complement: PKD1 is on the minus strand). VCF-style: chr16-2111529-C-T. GRCh37 (hg19) VCF-style: chr16-2161530-C-T.
Other names: c.3638G>A, p.Arg1213His (NM_000296.4); short protein forms R1213H.
Identifiers: ClinVar variation 2305276 (VCV002305276.4), dbSNP rs756174712, ClinGen allele CA7832692.